The following is an entry in ClinVar:

ClinVar aggregate classification (germline): Uncertain significance. Review status: criteria provided, multiple submitters, no conflicts (2 of 4 stars). 2 submissions from 2 submitters: Uncertain significance (2). Last evaluated 2025-10-18.

gnomAD v4.1: 20 of 1,614,112 alleles (0.0012%); highest among the groups gnomAD compares: African/African-American, 0.016%; no homozygotes.

Submissions (2):

Ambry Genetics
Classification: Uncertain significance. Last evaluated: 2025-10-18. Review status: criteria provided, single submitter. Criteria: Ambry Variant Classification Scheme 2023. Collection method: clinical testing. Allele origin: germline.

Labcorp Genetics (formerly Invitae), Labcorp
Classification: Uncertain significance. Last evaluated: 2024-10-24. Review status: criteria provided, single submitter. Criteria: Invitae Variant Classification Sherloc (09022015). Collection method: clinical testing. Allele origin: germline.
Comment: This sequence change replaces leucine, which is neutral and non-polar, with histidine, which is basic and polar, at codon 412 of the TMPRSS15 protein (p.Leu412His). This variant is present in population databases (rs376523498, gnomAD 0.003%). This variant has not been reported in the literature in individuals affected with TMPRSS15-related conditions. An algorithm developed to predict the effect of missense changes on protein structure and function (PolyPhen-2) suggests that this variant is likely to be disruptive. In summary, the available evidence is currently insufficient to determine the role of this variant in disease. Therefore, it has been classified as a Variant of Uncertain Significance.

NM_002772.3(TMPRSS15):c.1235T>A (p.Leu412His)

Gene: TMPRSS15 (transmembrane serine protease 15; minus strand). Cytogenetic location: 21q21.1.
Variant type: single nucleotide variant.
Coding change: c.1235T>A on transcript NM_002772.3 (MANE Select); coding-DNA position 1235, T replaced by A.
Protein change: p.Leu412His; replaces leucine 412 with histidine.
Molecular consequence: missense variant.
Genome position (GRCh38, 1-based): chr21:18,343,997, A>T on the plus strand (T>A on the coding strand, the complement: TMPRSS15 is on the minus strand). VCF-style: chr21-18343997-A-T. GRCh37 (hg19) VCF-style: chr21-19716314-A-T.
Other names: c.1235T>A (NM_002772.2); c.1370T>A, p.Leu457His (NM_001428056.1); c.1235T>A, p.Leu412His (NM_001428057.1); short protein forms L412H, L457H.
Identifiers: ClinVar variation 3608070 (VCV003608070.2).